The following is an entry in ClinVar:

ClinVar aggregate classification (germline): Uncertain significance (1 of 4 stars; one submission).

Submission:

Labcorp Genetics (formerly Invitae), Labcorp
Classification: Uncertain significance. Last evaluated: 2023-01-19. Review status: criteria provided, single submitter. Criteria: Invitae Variant Classification Sherloc (09022015). Collection method: clinical testing. Allele origin: germline.
Comment: In summary, the available evidence is currently insufficient to determine the role of this variant in disease. Therefore, it has been classified as a Variant of Uncertain Significance. Algorithms developed to predict the effect of missense changes on protein structure and function (SIFT, PolyPhen-2, Align-GVGD) all suggest that this variant is likely to be disruptive. This variant has not been reported in the literature in individuals affected with TAOK2-related conditions. This variant is not present in population databases (gnomAD no frequency). This sequence change replaces alanine, which is neutral and non-polar, with serine, which is neutral and polar, at codon 190 of the TAOK2 protein (p.Ala190Ser).

NM_016151.4(TAOK2):c.568G>T (p.Ala190Ser)

Gene: TAOK2 (TAO kinase 2; plus strand). Cytogenetic location: 16p11.2.
Variant type: single nucleotide variant.
Coding change: c.568G>T on transcript NM_016151.4 (MANE Select); coding-DNA position 568, G replaced by T.
Protein change: p.Ala190Ser; replaces alanine 190 with serine.
Molecular consequence: missense variant.
Genome position (GRCh38, 1-based): chr16:29,979,421, G>T. VCF-style: chr16-29979421-G-T. GRCh37 (hg19) VCF-style: chr16-29990742-G-T.
Other names: c.568G>T, p.Ala190Ser (NM_001252043.2, NM_004783.4); short protein forms A190S.
Identifiers: ClinVar variation 2830035 (VCV002830035.3), dbSNP rs2543612018, ClinGen allele CA395472316.